The following is an entry in ClinVar:

NM_015662.3(IFT172):c.1340A>G (p.Glu447Gly)

Gene: IFT172 (intraflagellar transport 172; minus strand). Cytogenetic location: 2p23.3.
Variant type: single nucleotide variant.
Coding change: c.1340A>G on transcript NM_015662.3 (MANE Select); coding-DNA position 1340, A replaced by G.
Protein change: p.Glu447Gly; replaces glutamic acid 447 with glycine.
Molecular consequence: missense variant.
Genome position (GRCh38, 1-based): chr2:27,476,712, T>C on the plus strand (A>G on the coding strand, the complement: IFT172 is on the minus strand). VCF-style: chr2-27476712-T-C. GRCh37 (hg19) VCF-style: chr2-27699579-T-C.
Other names: c.1340A>G, p.Glu447Gly (NM_001410739.1); short protein forms E447G.
Identifiers: ClinVar variation 2079886 (VCV002079886.4), dbSNP rs1286965773, ClinGen allele CA346393093.

ClinVar aggregate classification (germline): Uncertain significance (1 of 4 stars; one submission).

Conditions:
Short-rib thoracic dysplasia 10 with or without polydactyly (SRTD10). Identifiers: Orphanet 474, MedGen C3810175, MONDO:0014284, OMIM 615630.
Retinitis pigmentosa 71 (RP71). Identifiers: Orphanet 791, MedGen C4225342, MONDO:0014618, OMIM 616394.

Allele frequency attached by ClinVar (database versions not stated): TOPMed below 0.00001.

Submission:

Labcorp Genetics (formerly Invitae), Labcorp
Classification: Uncertain significance for Retinitis pigmentosa 71; Short-rib thoracic dysplasia 10 with or without polydactyly. Last evaluated: 2024-11-05. Review status: criteria provided, single submitter. Criteria: Invitae Variant Classification Sherloc (09022015). Collection method: clinical testing. Allele origin: germline.
Comment: This sequence change replaces glutamic acid, which is acidic and polar, with glycine, which is neutral and non-polar, at codon 447 of the IFT172 protein (p.Glu447Gly). This variant is not present in population databases (gnomAD no frequency). This variant has not been reported in the literature in individuals affected with IFT172-related conditions. ClinVar contains an entry for this variant (Variation ID: 2079886). Invitae Evidence Modeling of protein sequence and biophysical properties (such as structural, functional, and spatial information, amino acid conservation, physicochemical variation, residue mobility, and thermodynamic stability) has been performed for this missense variant. However, the output from this modeling did not meet the statistical confidence thresholds required to predict the impact of this variant on IFT172 protein function. In summary, the available evidence is currently insufficient to determine the role of this variant in disease. Therefore, it has been classified as a Variant of Uncertain Significance.